The following is an entry in ClinVar:

ClinVar aggregate classification (germline): Pathogenic (1 of 4 stars; one submission).
ClinVar aggregate classification (oncogenicity): Likely oncogenic (0 of 4 stars; one submission).

Conditions:
Adrenal cortex carcinoma. Also called: Adrenocortical carcinoma. Identifiers: Orphanet 1501, MedGen C0206686, MeSH D018268, MONDO:0006639, HP:0006744.

Submissions (2):

Labcorp Genetics (formerly Invitae), Labcorp
Classification: Pathogenic. Last evaluated: 2020-05-20. Review status: criteria provided, single submitter. Criteria: Invitae Variant Classification Sherloc (09022015). Collection method: clinical testing. Allele origin: germline.
Comment: This sequence change creates a premature translational stop signal (p.Gln1362*) in the ARID1B gene. It is expected to result in an absent or disrupted protein product. This variant is not present in population databases (ExAC no frequency). This variant has not been reported in the literature in individuals with ARID1B-related conditions. Loss-of-function variants in ARID1B are known to be pathogenic (PMID: 25674384, 30349098). For these reasons, this variant has been classified as Pathogenic.

Genome Sciences Centre, British Columbia Cancer Agency
Classification: Likely oncogenic for Adrenal cortex carcinoma. Last evaluated: 2024-11-13. Review status: no assertion criteria provided. Collection method: research. Allele origin: somatic. Affected: yes. Observed: 1 variant allele.

Literature cited by the submitters: PubMed 25674384 (cited by Labcorp Genetics (formerly Invitae), Labcorp); PubMed 30349098 (cited by Labcorp Genetics (formerly Invitae), Labcorp).

NM_001374828.1(ARID1B):c.4453C>T (p.Gln1485Ter)

Gene: ARID1B (AT-rich interaction domain 1B; plus strand). Cytogenetic location: 6q25.3.
Variant type: single nucleotide variant.
Coding change: c.4453C>T on transcript NM_001374828.1 (MANE Select); coding-DNA position 4453, C replaced by T.
Protein change: p.Gln1485Ter; replaces glutamine 1485 with a stop codon.
Molecular consequence: nonsense.
Genome position (GRCh38, 1-based): chr6:157,198,881, C>T. VCF-style: chr6-157198881-C-T. GRCh37 (hg19) VCF-style: chr6-157520015-C-T.
Other names: c.1954C>T, p.Gln652Ter (NM_001363725.2); c.4333C>T, p.Gln1445Ter (NM_001371656.1, NM_001374820.1); c.4294C>T, p.Gln1432Ter (NM_017519.3); short protein forms Q1432*, Q1445*, Q1485*, Q652*.
Identifiers: ClinVar variation 1069782 (VCV001069782.9), dbSNP rs2128366503, ClinGen allele CA366239811.